The following is an entry in ClinVar:

NM_001376887.1(TNFSF14):c.11G>T (p.Ser4Ile)

Gene: TNFSF14 (TNF superfamily member 14; minus strand). Cytogenetic location: 19p13.3.
Variant type: single nucleotide variant.
Coding change: c.11G>T on transcript NM_001376887.1 (MANE Select); coding-DNA position 11, G replaced by T.
Protein change: p.Ser4Ile; replaces serine 4 with isoleucine.
Molecular consequence: missense variant.
Genome position (GRCh38, 1-based): chr19:6,670,059, C>A on the plus strand (G>T on the coding strand, the complement: TNFSF14 is on the minus strand). VCF-style: chr19-6670059-C-A. GRCh37 (hg19) VCF-style: chr19-6670070-C-A.
Other names: c.11G>T, p.Ser4Ile (NM_003807.5, NM_172014.3); short protein forms S4I.
Identifiers: ClinVar variation 2649142 (VCV002649142.24), dbSNP rs143389888, ClinGen allele CA9128154.

ClinVar aggregate classification (germline): Likely benign (1 of 4 stars; one submission).

Allele frequency attached by ClinVar (database versions not stated): 1000 Genomes Project 0.00020; 1000 Genomes Project 30x 0.00031; gnomAD exomes 0.00094; ESP Exome Variant Server 0.00108; gnomAD 0.00111; ExAC 0.00120; TOPMed 0.00155.

Submission:

CeGaT Center for Human Genetics Tuebingen
Classification: Likely benign. Last evaluated: 2022-04-01. Review status: criteria provided, single submitter. Criteria: CeGaT Center For Human Genetics Tuebingen Variant Classification Criteria Version 2. Collection method: clinical testing. Allele origin: germline. Affected: yes. Observed: 1 variant allele.
Comment: TNFSF14: BP4, BS2